The following is an entry in ClinVar:

NR_003051.4(RMRP):n.158_160delinsCTG

Gene: RMRP (RNA component of mitochondrial RNA processing endoribonuclease; minus strand). Cytogenetic location: 9p13.3.
Variant type: Indel.
Molecular consequence: non-coding transcript variant (on NR_003051.4).
Genome position: GRCh38 VCF-style: chr9-35657860-TAC-CAG. GRCh37 (hg19) VCF-style: chr9-35657857-TAC-CAG.
Identifiers: ClinVar variation 2691574 (VCV002691574.1), dbSNP rs2490600776, ClinGen allele CA2697557715.

ClinVar aggregate classification (germline): Uncertain significance (1 of 4 stars; one submission).

Submission:

Women's Health and Genetics/Laboratory Corporation of America, LabCorp
Classification: Uncertain significance. Last evaluated: 2023-12-08. Review status: criteria provided, single submitter. Criteria: LabCorp Variant Classification Summary - May 2015. Collection method: clinical testing. Allele origin: germline.
Comment: Variant summary: RMRP n.157_159delinsCTG alters a nucleotide in the non-coding RNA. The variant allele was found at a frequency of 6.2e-05 in 161774 control chromosomes. This frequency is not significantly higher than estimated for a pathogenic variant in RMRP causing Cartilage-Hair Hypoplasia (6.2e-05 vs 0.0072), allowing no conclusion about variant significance. To our knowledge, no occurrence of n.157_159delinsCTG in individuals affected with Cartilage-Hair Hypoplasia and no experimental evidence demonstrating its impact on protein function have been reported. No submitters have cited clinical-significance assessments for this variant to ClinVar after 2014. Based on the evidence outlined above, the variant was classified as uncertain significance.